The following is an entry in ClinVar:

NM_052947.4(ALPK2):c.1558G>T (p.Val520Leu)

Gene: ALPK2 (alpha kinase 2; minus strand). Cytogenetic location: 18q21.31.
Variant type: single nucleotide variant.
Coding change: c.1558G>T on transcript NM_052947.4 (MANE Select); coding-DNA position 1558, G replaced by T.
Protein change: p.Val520Leu; replaces valine 520 with leucine.
Molecular consequence: missense variant.
Genome position (GRCh38, 1-based): chr18:58,579,218, C>A on the plus strand (G>T on the coding strand, the complement: ALPK2 is on the minus strand). VCF-style: chr18-58579218-C-A. GRCh37 (hg19) VCF-style: chr18-56246450-C-A.
Other names: short protein forms V520L.
Identifiers: ClinVar variation 3530247 (VCV003530247.1).

ClinVar aggregate classification (germline): Uncertain significance (1 of 4 stars; one submission).

Submission:

Ambry Genetics
Classification: Uncertain significance. Last evaluated: 2024-07-28. Review status: criteria provided, single submitter. Criteria: Ambry Variant Classification Scheme 2023. Collection method: clinical testing. Allele origin: germline.
Comment: The p.V520L variant (also known as c.1558G>T), located in coding exon 3 of the ALPK2 gene, results from a G to T substitution at nucleotide position 1558. The valine at codon 520 is replaced by leucine, an amino acid with highly similar properties. This amino acid position is conserved. In addition, this alteration is predicted to be tolerated by in silico analysis. Based on the available evidence, the clinical significance of this variant remains unclear.